The following is an entry in ClinVar:

ClinVar aggregate classification (germline): Benign/Likely benign. Review status: criteria provided, multiple submitters, no conflicts (2 of 4 stars). 8 submissions from 8 submitters: Benign (1); Likely benign (7). Last evaluated 2026-05-01.

Conditions:
Inborn genetic diseases. Identifiers: MedGen C0950123, MeSH D030342.
Seizures, benign familial infantile, 3 (BFIS3). Also called: CONVULSIONS, BENIGN FAMILIAL INFANTILE, 3; Familial neonatal seizures. Identifiers: Orphanet 140927, Orphanet 306, MedGen C1843140, MONDO:0011904, OMIM 607745.
Developmental and epileptic encephalopathy, 11 (DEE11). Also called: Early infantile epileptic encephalopathy 11. Identifiers: Orphanet 1934, MedGen C3150987, MONDO:0013388, OMIM 613721.

Allele frequency attached by ClinVar (database versions not stated): ExAC 0.00006; gnomAD exomes 0.00010 and 0.00026; TOPMed 0.00014; gnomAD 0.00016 and 0.00017; ESP Exome Variant Server 0.00023.
gnomAD v4.1: 419 of 1,607,660 alleles (0.026%); highest among the groups gnomAD compares: Non-Finnish European, 0.033%; no homozygotes.

Submissions (8):

CeGaT Center for Human Genetics Tuebingen
Classification: Likely benign. Last evaluated: 2026-05-01. Review status: criteria provided, single submitter. Criteria: CeGaT Center For Human Genetics Tuebingen Variant Classification Criteria Version 2. Collection method: clinical testing. Allele origin: germline. Affected: yes. Observed: 6 variant alleles.
Comment: SCN2A: BP4, BP7

Labcorp Genetics (formerly Invitae), Labcorp
Classification: Likely benign for Seizures, benign familial infantile, 3; Developmental and epileptic encephalopathy, 11. Last evaluated: 2025-12-26. Review status: criteria provided, single submitter. Criteria: Invitae Variant Classification Sherloc (09022015). Collection method: clinical testing. Allele origin: germline.

Mayo Clinic Laboratories, Mayo Clinic
Classification: Likely benign. Last evaluated: 2025-09-26. Review status: criteria provided, single submitter. Criteria: ACMG Guidelines, 2015. Collection method: clinical testing. Allele origin: germline. Observed: 1 variant allele.
Comment: BS2, BP4, BP7

Athena Diagnostics
Classification: Likely benign. Last evaluated: 2018-11-07. Review status: criteria provided, single submitter. Criteria: Athena Diagnostics Criteria. Collection method: clinical testing. Allele origin: germline.

Ambry Genetics
Classification: Likely benign for Inborn genetic diseases. Last evaluated: 2018-09-30. Review status: criteria provided, single submitter. Criteria: Ambry Variant Classification Scheme 2023. Collection method: clinical testing. Allele origin: germline.

Illumina Laboratory Services, Illumina
Classification: Likely benign for Seizures, benign familial infantile, 3. Last evaluated: 2018-01-12. Review status: criteria provided, single submitter. Criteria: ICSL Variant Classification Criteria 13 December 2019. Collection method: clinical testing. Allele origin: germline.
Comment: This variant was observed in the ICSL laboratory as part of a predisposition screen in an ostensibly healthy population. It had not been previously curated by ICSL or reported in the Human Gene Mutation Database (HGMD: prior to June 1st, 2018), and was therefore a candidate for classification through an automated scoring system. Utilizing variant allele frequency, disease prevalence and penetrance estimates, and inheritance mode, an automated score was calculated to assess if this variant is too frequent to cause the disease. Based on the score and internal cut-off values, a variant classified as likely benign is not then subjected to further curation. The score for this variant resulted in a classification of likely benign for this disease.

Genetic Services Laboratory, University of Chicago
Classification: Likely benign. Last evaluated: 2017-11-02. Review status: criteria provided, single submitter. Criteria: ACMG Guidelines, 2015. Collection method: clinical testing. Allele origin: germline. Affected: no.

GeneDx
Classification: Benign. Last evaluated: 2013-12-02. Review status: criteria provided, single submitter. Criteria: GeneDx Variant Classification (06012015). Collection method: clinical testing. Allele origin: germline. Affected: yes.
Comment: This variant is considered likely benign or benign based on one or more of the following criteria: it is a conservative change, it occurs at a poorly conserved position in the protein, it is predicted to be benign by multiple in silico algorithms, and/or has population frequency not consistent with disease.

NM_001040142.2(SCN2A):c.4287T>C (p.Tyr1429=)

Gene: SCN2A (sodium voltage-gated channel alpha subunit 2; plus strand). Cytogenetic location: 2q24.3.
Variant type: single nucleotide variant.
Coding change: c.4287T>C on transcript NM_001040142.2 (MANE Select); coding-DNA position 4287, T replaced by C.
Protein change: p.Tyr1429=; no amino-acid change (tyrosine 1429 retained).
Molecular consequence: synonymous variant.
Genome position (GRCh38, 1-based): chr2:165,377,629, T>C. VCF-style: chr2-165377629-T-C. GRCh37 (hg19) VCF-style: chr2-166234139-T-C.
Other names: p.Y1429Y:TAT>TAC; p.Tyr1429=; c.4287T>C, p.Tyr1429= (NM_001040143.2, NM_001371246.1, NM_001371247.1 and 1 more transcripts).
Identifiers: ClinVar variation 139017 (VCV000139017.47), dbSNP rs150209984, ClinGen allele CA293257.